The following is an entry in ClinVar:

NM_020778.5(ALPK3):c.2429T>A (p.Val810Glu)

Gene: ALPK3 (alpha kinase 3; plus strand). Cytogenetic location: 15q25.3.
Variant type: single nucleotide variant.
Coding change: c.2429T>A on transcript NM_020778.5 (MANE Select); coding-DNA position 2429, T replaced by A.
Protein change: p.Val810Glu; replaces valine 810 with glutamic acid.
Molecular consequence: missense variant.
Genome position (GRCh38, 1-based): chr15:84,857,167, T>A. VCF-style: chr15-84857167-T-A. GRCh37 (hg19) VCF-style: chr15-85400398-T-A.
Other names: short protein forms V810E.
Identifiers: ClinVar variation 1479908 (VCV001479908.6), dbSNP rs2141567836, ClinGen allele CA393357120.

ClinVar aggregate classification (germline): Uncertain significance (1 of 4 stars; one submission).

Submission:

Labcorp Genetics (formerly Invitae), Labcorp
Classification: Uncertain significance. Last evaluated: 2023-12-11. Review status: criteria provided, single submitter. Criteria: Invitae Variant Classification Sherloc (09022015). Collection method: clinical testing. Allele origin: germline.
Comment: This sequence change replaces valine, which is neutral and non-polar, with glutamic acid, which is acidic and polar, at codon 1012 of the ALPK3 protein (p.Val1012Glu). This variant is not present in population databases (gnomAD no frequency). This variant has not been reported in the literature in individuals affected with ALPK3-related conditions. ClinVar contains an entry for this variant (Variation ID: 1479908). An algorithm developed to predict the effect of missense changes on protein structure and function (PolyPhen-2) suggests that this variant is likely to be tolerated. In summary, the available evidence is currently insufficient to determine the role of this variant in disease. Therefore, it has been classified as a Variant of Uncertain Significance.